The following is an entry in ClinVar:

NM_177438.3(DICER1):c.*873G>A

Gene: DICER1 (dicer 1, ribonuclease III; minus strand). Cytogenetic location: 14q32.13.
Variant type: single nucleotide variant.
Coding change: c.*873G>A on transcript NM_177438.3 (MANE Select); 873 bases downstream of the stop codon, G replaced by A.
Molecular consequence: 3 prime UTR variant.
Genome position (GRCh38, 1-based): chr14:95,089,625, C>T on the plus strand (G>A on the coding strand, the complement: DICER1 is on the minus strand). VCF-style: chr14-95089625-C-T. GRCh37 (hg19) VCF-style: chr14-95555962-C-T.
Other names: c.*989G>A (NM_001195573.1); c.*873G>A (NM_001271282.3, NM_001291628.2, NM_030621.4).
Identifiers: ClinVar variation 315089 (VCV000315089.7), dbSNP rs45518832, ClinGen allele CA10635622.
Genomic context (GRCh38, chr14:95,089,625, plus strand): 5'-AGGAGGACTTTAGTAAAATGGGGTGTTTAGCCAAAGATCATTTTTATGATAAAAAATATC[C>T]GTAGACTACATATTCTGGTTTTTAAAATGTCTTCAGTATACATATGACAGAAATTTTAGT-3'

ClinVar aggregate classification (germline): Benign. Review status: criteria provided, multiple submitters, no conflicts (2 of 4 stars). 2 submissions from 2 submitters: Benign (2). Last evaluated 2018-01-13.

Conditions:
DICER1-related tumor predisposition. Also called: DICER1-related pleuropulmonary blastoma cancer predisposition syndrome; DICER1 syndrome. Identifiers: Orphanet 284343, MedGen C3839822, MONDO:0100216.

Allele frequency attached by ClinVar (database versions not stated): 1000 Genomes Project 30x 0.00297; 1000 Genomes Project 0.00339; TOPMed 0.00595; gnomAD 0.00615 and 0.00618; gnomAD exomes 0.00823.
gnomAD v4.1: 1,586 of 231,050 alleles (0.69%); highest among the groups gnomAD compares: Non-Finnish European, 1.1%; 14 homozygotes.

Submissions (2):

Illumina Laboratory Services, Illumina
Classification: Benign for Pleuropulmonary blastoma. Last evaluated: 2018-01-13. Review status: criteria provided, single submitter. Criteria: ICSL Variant Classification Criteria 13 December 2019. Collection method: clinical testing. Allele origin: germline.
Comment: This variant was observed in the ICSL laboratory as part of a predisposition screen in an ostensibly healthy population. It had not been previously curated by ICSL or reported in the Human Gene Mutation Database (HGMD: prior to June 1st, 2018), and was therefore a candidate for classification through an automated scoring system. Utilizing variant allele frequency, disease prevalence and penetrance estimates, and inheritance mode, an automated score was calculated to assess if this variant is too frequent to cause the disease. Based on the score and internal cut-off values, a variant classified as benign is not then subjected to further curation. The score for this variant resulted in a classification of benign for this disease.

Breakthrough Genomics
Classification: Benign. Review status: criteria provided, single submitter. Criteria: ACMG Guidelines, 2015. Collection method: not provided. Allele origin: germline. Inheritance: Autosomal dominant inheritance. Affected: yes.